The following is an entry in ClinVar:

NM_000051.4(ATM):c.387del (p.Asp130fs)

Gene: ATM (ATM serine/threonine kinase; plus strand). Cytogenetic location: 11q22.3.
Variant type: Deletion.
Coding change: c.387del on transcript NM_000051.4 (MANE Select); coding-DNA position 387, one base deleted (A; older notation c.387delA).
Protein change: p.Asp130fs; shifts the reading frame from aspartic acid 130.
Molecular consequence: frameshift variant.
Genome position (GRCh38, 1-based): chr11:108,235,725, A deleted; the last of 3 consecutive A bases (chr11:108,235,723-108,235,725); deleting any one gives the same sequence. VCF-style (leftmost placement, unchanged base first): chr11-108235722-GA-G. GRCh37 (hg19) VCF-style: chr11-108106449-GA-G.
Other names: NM_000051.4(ATM):c.387del; p.Asp130fs; c.387delA (NM_000051.3); c.387del, p.Asp130fs (NM_001351834.2); short protein forms D130fs.
Identifiers: ClinVar variation 265634 (VCV000265634.25), dbSNP rs745642834, ClinGen allele CA6264597.

ClinVar aggregate classification (germline): Pathogenic. Review status: reviewed by expert panel (3 of 4 stars). 10 submissions from 10 submitters: Pathogenic (1). 9 of the submissions do not count toward it. Last evaluated 2023-10-16.

Conditions:
Hereditary cancer-predisposing syndrome. Also called: Neoplastic Syndromes, Hereditary; Hereditary neoplastic syndrome; Tumor predisposition; Hereditary Cancer Syndrome. Identifiers: Orphanet 140162, MedGen C0027672, MeSH D009386, MONDO:0015356.
ATM-related cancer predisposition. Also called: ATM-related cancer susceptibility. Identifiers: MedGen CN377759, MONDO:0700270.
Familial cancer of breast. Also called: hereditary breast carcinoma; Hereditary breast cancer; BREAST CANCER, FAMILIAL. Identifiers: Orphanet 227535, MedGen C0346153, MONDO:0016419, OMIM 114480. Disease mechanism: loss of function.
Ataxia-telangiectasia syndrome (AT). Also called: Ataxia telangiectasia (A-T); Cerebello-oculocutaneous telangiectasia; Immunodeficiency with ataxia telangiectasia; LOUIS-BAR SYNDROME; AT, COMPLEMENTATION GROUP C; ATAXIA-TELANGIECTASIA, FRESNO VARIANT. Identifiers: Orphanet 100, MedGen C0004135, MONDO:0008840, OMIM 208900.

Submissions (10):

ClinGen Hereditary Breast, Ovarian and Pancreatic Cancer Variant Curation Expert Panel, ClinGen
Classification: Pathogenic for ATM-related cancer predisposition. Last evaluated: 2023-10-16. Review status: reviewed by expert panel. Criteria: ClinGen HBOP ACMG Specifications ATM V1.2.0. Collection method: curation. Allele origin: germline. Inheritance: Autosomal dominant inheritance.
Comment: The c.387del (p.Asp130IlefsTer23) variant in ATM is a frameshift variant predicted to cause a premature stop codon in a biologically-relevant-exon leading to nonsense mediated decay in a gene in which loss-of-function is an established disease mechanism. This alteration results in a termination codon upstream of the most C-terminus pathogenic alteration (ATM p.Arg3047*), as classified by the HBOP VCEP, and is expected to be more deleterious. This variant was observed in two individuals with Ataxia-Telangiectasia (PMID: 26896183, 30549301), and is absent from gnomAD v2.1.1. In summary, this variant meets criteria to be classified as pathogenic for autosomal dominant hereditary breast cancer and autosomal recessive Ataxia-Telangiectasia based on the ACMG/AMP criteria applied, as specified by the HBOP VCEP. (PVS1, PM2_Supporting, PM3, PM5_Supporting).

3billion
Classification: Pathogenic for Ataxia-telangiectasia syndrome. Last evaluated: 2026-01-07. Review status: criteria provided, single submitter. Criteria: ACMG Guidelines, 2015. Collection method: clinical testing. Allele origin: germline. Affected: yes. Not counted in ClinVar's aggregate classification.
Comment: The variant is observed at an extremely low frequency in the gnomAD v4.1.0 dataset (total allele frequency: <0.001%). Predicted Consequence/Location: Frameshift: predicted to result in a loss or disruption of normal protein function through nonsense-mediated decay (NMD) or protein truncation. Multiple pathogenic variants are reported downstream of the variant. The variant has been reported multiple times as an established pathogenic variant (ClinVar ID: VCV000265634 /PMID: 26556299 /3billion dataset). Therefore, this variant is classified as Pathogenic according to the recommendation of ACMG/AMP guideline.

Natera, Inc.
Classification: Pathogenic for Ataxia-telangiectasia. Last evaluated: 2024-12-22. Review status: criteria provided, single submitter. Criteria: Natera Variant Classification Schema (03/2026). Collection method: clinical testing. Allele origin: germline. Not counted in ClinVar's aggregate classification.
Comment: The c.387delA variant in ATM is a frameshift variant predicted to shift the reading frame beginning at codon 130 and leads to a stop codon 23 codons downstream. This variant is expected to result in nonsense mediated decay, truncation, or a dysfunctional protein product. This variant is rare in the general population with a frequency below the threshold expected for the associated phenotype(s). This variant has been observed in one or more individuals affected with the associated recessive disease, as either homozygous or compound heterozygous with a second variant (PMID: 26896183, 31069529). Given the available evidence, this variant is classified as Pathogenic.

Dubai Health Genomic Medicine Center, Dubai Health
Classification: Pathogenic for Ataxia-telangiectasia. Last evaluated: 2024-10-04. Review status: criteria provided, single submitter. Criteria: ACMG Guidelines, 2015. Collection method: research. Allele origin: germline. Affected: yes. Not counted in ClinVar's aggregate classification.
Comment: PVS1,PS4,PM2

Ambry Genetics
Classification: Pathogenic for Hereditary cancer-predisposing syndrome. Last evaluated: 2024-09-23. Review status: criteria provided, single submitter. Criteria: Ambry Variant Classification Scheme 2023. Collection method: clinical testing. Allele origin: germline. Not counted in ClinVar's aggregate classification.
Comment: The c.387delA pathogenic mutation, located in coding exon 4 of the ATM gene, results from a deletion of one nucleotide at nucleotide position 387, causing a translational frameshift with a predicted alternate stop codon (p.D130Ifs*23). This variant is considered to be rare based on population cohorts in the Genome Aggregation Database (gnomAD). This alteration is expected to result in loss of function by premature protein truncation or nonsense-mediated mRNA decay. As such, this alteration is interpreted as a disease-causing mutation.

Labcorp Genetics (formerly Invitae), Labcorp
Classification: Pathogenic for Ataxia-telangiectasia syndrome. Last evaluated: 2024-09-09. Review status: criteria provided, single submitter. Criteria: Invitae Variant Classification Sherloc (09022015). Collection method: clinical testing. Allele origin: germline. Not counted in ClinVar's aggregate classification.
Comment: This sequence change creates a premature translational stop signal (p.Asp130Ilefs*23) in the ATM gene. It is expected to result in an absent or disrupted protein product. Loss-of-function variants in ATM are known to be pathogenic (PMID: 23807571, 25614872). This variant is present in population databases (rs745642834, gnomAD 0.003%). This premature translational stop signal has been observed in individual(s) with ATM-related conditions (PMID: 26556299, 30549301). ClinVar contains an entry for this variant (Variation ID: 265634). For these reasons, this variant has been classified as Pathogenic.

Myriad Genetics, Inc.
Classification: Pathogenic for Familial cancer of breast. Last evaluated: 2024-01-09. Review status: criteria provided, single submitter. Criteria: Myriad Autosomal Dominant, Autosomal Recessive and X-Linked Classification Criteria (2023). Collection method: clinical testing. Allele origin: unknown. Not counted in ClinVar's aggregate classification.
Comment: This variant is considered pathogenic. This variant creates a frameshift predicted to result in premature protein truncation.

GeneDx
Classification: Pathogenic. Last evaluated: 2023-12-27. Review status: criteria provided, single submitter. Criteria: GeneDx Variant Classification Process June 2021. Collection method: clinical testing. Allele origin: germline. Affected: yes. Not counted in ClinVar's aggregate classification.
Comment: Frameshift variant predicted to result in protein truncation or nonsense mediated decay in a gene for which loss of function is a known mechanism of disease; Not observed at significant frequency in large population cohorts (gnomAD); Truncating variants in this gene are considered pathogenic by a well-established clinical consortium and/or database; This variant is associated with the following publications: (PMID: 26556299, 30549301, 31069529, 33084842, 29922827, 32255556, 26896183)

Baylor Genetics
Classification: Pathogenic for Familial cancer of breast. Last evaluated: 2023-05-29. Review status: criteria provided, single submitter. Criteria: ACMG Guidelines, 2015. Collection method: clinical testing. Allele origin: unknown. Not counted in ClinVar's aggregate classification.

Color Diagnostics, LLC DBA Color Health
Classification: Pathogenic for Hereditary cancer-predisposing syndrome. Last evaluated: 2020-05-08. Review status: criteria provided, single submitter. Criteria: ACMG Guidelines, 2015. Collection method: clinical testing. Allele origin: germline. Not counted in ClinVar's aggregate classification.
Comment: This variant deletes 1 nucleotide in exon 5 of the ATM gene, creating a frameshift and premature translation stop signal. This variant is expected to result in an absent or non-functional protein product. To our knowledge, this variant has not been reported in individuals affected with hereditary cancer in the literature. This variant has been identified in 1/251256 chromosomes in the general population by the Genome Aggregation Database (gnomAD). Loss of ATM function is a known mechanism of disease. Based on the available evidence, this variant is classified as Pathogenic.

Literature cited by the submitters: PubMed 26556299 (cited by 3billion and Labcorp Genetics (formerly Invitae), Labcorp); PubMed 26896183 (cited by Natera, Inc.); PubMed 31069529 (cited by Natera, Inc.); PubMed 23807571 (cited by Labcorp Genetics (formerly Invitae), Labcorp); PubMed 25614872 (cited by Labcorp Genetics (formerly Invitae), Labcorp); PubMed 30549301 (cited by Labcorp Genetics (formerly Invitae), Labcorp).